The following is an entry in ClinVar:

ClinVar aggregate classification (germline): Likely pathogenic (1 of 4 stars; one submission).

Submission:

Labcorp Genetics (formerly Invitae), Labcorp
Classification: Likely pathogenic. Last evaluated: 2022-11-14. Review status: criteria provided, single submitter. Criteria: Invitae Variant Classification Sherloc (09022015). Collection method: clinical testing. Allele origin: germline.
Comment: In summary, the currently available evidence indicates that the variant is pathogenic, but additional data are needed to prove that conclusively. Therefore, this variant has been classified as Likely Pathogenic. Algorithms developed to predict the effect of sequence changes on RNA splicing suggest that this variant may disrupt the consensus splice site. Disruption of this splice site has been observed in individual(s) with clinical features of COL4A4-related conditions (Invitae). This variant is not present in population databases (gnomAD no frequency). This sequence change affects a donor splice site in intron 16 of the COL4A4 gene. It is expected to disrupt RNA splicing. Variants that disrupt the donor or acceptor splice site typically lead to a loss of protein function (PMID: 16199547), and loss-of-function variants in COL4A4 are known to be pathogenic (PMID: 21196518, 24854265, 25307543).

Literature cited by the submitters: PubMed 16199547; PubMed 21196518; PubMed 24854265; PubMed 25307543.

NM_000092.5(COL4A4):c.975+2T>C

Gene: COL4A4 (collagen type IV alpha 4 chain; minus strand). Cytogenetic location: 2q36.3.
Variant type: single nucleotide variant.
Coding change: c.975+2T>C on transcript NM_000092.5 (MANE Select); the canonical splice donor site of the intron after coding-DNA position 975, T replaced by C.
Molecular consequence: splice donor variant.
Genome position (GRCh38, 1-based): chr2:227,101,863, A>G on the plus strand (T>C on the coding strand, the complement: COL4A4 is on the minus strand). VCF-style: chr2-227101863-A-G. GRCh37 (hg19) VCF-style: chr2-227966579-A-G.
Identifiers: ClinVar variation 2802232 (VCV002802232.3), dbSNP rs2475548694, ClinGen allele CA350856098.